The following is an entry in ClinVar:

NM_000414.4(HSD17B4):c.-27GT[6]

Gene: HSD17B4 (hydroxysteroid 17-beta dehydrogenase 4; plus strand). Cytogenetic location: 5q23.1.
Variant type: Microsatellite.
Coding change: c.-27GT[6] on transcript NM_000414.4 (MANE Select); six copies in a row of the 2-base unit GT starting at c.-27; the reference has five copies in a row; one copy, 2 bases duplicated.
Molecular consequence: 5 prime UTR variant. On other transcripts: non-coding transcript variant (2).
Genome position (GRCh38, 1-based): chr5:119,452,557-119,452,558, GT duplicated; duplicating any 2 consecutive bases within chr5:119,452,549-119,452,558 gives the same sequence; the position shown is the placement nearest the transcript's 3' end. VCF-style (leftmost placement, unchanged base first): chr5-119452548-C-CGT. GRCh37 (hg19) VCF-style: chr5-118788243-C-CGT.
Other names: c.-205GT[6] (NM_001199291.3); c.-27GT[6] (NM_001199292.2, NM_001374497.1, NM_001374498.1); c.-164GT[6] (NM_001292027.2); c.-626GT[6] (NM_001292028.2, NM_001374501.1); c.-560GT[6] (NM_001374499.1); c.-753GT[6] (NM_001374500.1); c.-631GT[6] (NM_001374502.1); c.-696GT[6] (NM_001374503.1).
Identifiers: ClinVar variation 3354540 (VCV003354540.1).

ClinVar aggregate classification (germline): Likely benign (0 of 4 stars; one submission).

Conditions:
HSD17B4-related disorder. Also called: HSD17B4-related disorders; HSD17B4-related condition.

Submission:

PreventionGenetics, part of Exact Sciences
Classification: Likely benign for HSD17B4-related condition. Last evaluated: 2024-03-26. Review status: no assertion criteria provided. Collection method: clinical testing. Allele origin: germline.
Comment: This variant is classified as likely benign based on ACMG/AMP sequence variant interpretation guidelines (Richards et al. 2015 PMID: 25741868, with internal and published modifications).